The following is an entry in ClinVar:

NM_001079520.2(DACT1):c.2230G>A (p.Gly744Ser)

Gene: DACT1 (dishevelled binding antagonist of beta catenin 1; plus strand). Cytogenetic location: 14q23.1.
Variant type: single nucleotide variant.
Coding change: c.2230G>A on transcript NM_001079520.2 (MANE Select); coding-DNA position 2230, G replaced by A.
Protein change: p.Gly744Ser; replaces glycine 744 with serine.
Molecular consequence: missense variant. On other transcripts: non-coding transcript variant (5).
Genome position (GRCh38, 1-based): chr14:58,646,964, G>A. VCF-style: chr14-58646964-G-A. GRCh37 (hg19) VCF-style: chr14-59113682-G-A.
Other names: c.2341G>A, p.Gly781Ser (NM_016651.6); short protein forms G744S, G781S.
Identifiers: ClinVar variation 4855297 (VCV004855297.1).

ClinVar aggregate classification (germline): Uncertain significance (1 of 4 stars; one submission).

Conditions:
Townes-Brocks syndrome 2 (TBS2). Identifiers: MedGen C4479534, MONDO:0054582, OMIM 617466.

Submission:

3billion
Classification: Uncertain significance for Townes-Brocks syndrome 2. Last evaluated: 2025-12-16. Review status: criteria provided, single submitter. Criteria: ACMG Guidelines, 2015. Collection method: clinical testing. Allele origin: germline. Affected: yes.
Comment: The variant is not observed in the gnomAD v4.1.0 dataset. Predicted Consequence/Location: Missense variant Damaging effect on gene or gene product predicted by in silico programs is uncertain [REVEL: 0.48 (damaging >=0.6, benign <0.4), 3Cnet: 0.00 (damaging >0.75, benign <0.1)]. Therefore, this variant is classified as VUS according to the recommendation of ACMG/AMP guideline.